The following is an entry in ClinVar:

ClinVar aggregate classification (germline): Likely benign. Review status: criteria provided, multiple submitters, no conflicts (2 of 4 stars). 3 submissions from 3 submitters: Likely benign (2). 1 of the submissions does not count toward it. Last evaluated 2024-11-22.

Conditions:
Inborn genetic diseases. Identifiers: MedGen C0950123, MeSH D030342.
ZNFX1-related disorder. Also called: ZNFX1-related condition.

Allele frequency attached by ClinVar (database versions not stated): 1000 Genomes Project 0.00140; gnomAD 0.00161; TOPMed 0.00171; 1000 Genomes Project 30x 0.00172; ExAC 0.00176; ESP Exome Variant Server 0.00185; gnomAD exomes 0.00204.
gnomAD v4.1: 3,223 of 1,614,152 alleles (0.2%); highest among the groups gnomAD compares: Admixed American, 0.29%; 9 homozygotes.

Submissions (3):

Blueprint Genetics
Classification: Likely benign. Last evaluated: 2024-11-22. Review status: criteria provided, single submitter. Criteria: ACMG Guidelines, 2015. Collection method: clinical testing. Allele origin: germline.

Ambry Genetics
Classification: Likely benign for Inborn genetic diseases. Last evaluated: 2022-09-27. Review status: criteria provided, single submitter. Criteria: Ambry Variant Classification Scheme 2023. Collection method: clinical testing. Allele origin: germline.

PreventionGenetics, part of Exact Sciences
Classification: Likely benign for ZNFX1-related condition. Last evaluated: 2023-06-02. Review status: no assertion criteria provided. Collection method: clinical testing. Allele origin: germline. Not counted in ClinVar's aggregate classification.
Comment: This variant is classified as likely benign based on ACMG/AMP sequence variant interpretation guidelines (Richards et al. 2015 PMID: 25741868, with internal and published modifications).

NM_021035.3(ZNFX1):c.1099A>G (p.Ile367Val)

Gene: ZNFX1 (zinc finger NFX1-type containing 1; minus strand). Cytogenetic location: 20q13.13.
Variant type: single nucleotide variant.
Coding change: c.1099A>G on transcript NM_021035.3 (MANE Select); coding-DNA position 1099, A replaced by G.
Protein change: p.Ile367Val; replaces isoleucine 367 with valine.
Molecular consequence: missense variant.
Genome position (GRCh38, 1-based): chr20:49,270,713, T>C on the plus strand (A>G on the coding strand, the complement: ZNFX1 is on the minus strand). VCF-style: chr20-49270713-T-C. GRCh37 (hg19) VCF-style: chr20-47887250-T-C.
Other names: short protein forms I367V.
Identifiers: ClinVar variation 2397909 (VCV002397909.5), dbSNP rs147045723, ClinGen allele CA9902558.